The following is an entry in ClinVar:

ClinVar aggregate classification (germline): Pathogenic (1 of 4 stars; one submission).

Conditions:
Combined immunodeficiency due to STIM1 deficiency. Also called: STIM1 DEFICIENCY; IMMUNODEFICIENCY 10. Identifiers: Orphanet 169090, Orphanet 317430, MedGen C2748557, MONDO:0013008, OMIM 612783.
Stormorken syndrome (STRMK). Also called: THROMBOCYTOPATHY, ASPLENIA, AND MIOSIS. Identifiers: Orphanet 3204, MedGen C1861451, MONDO:0008497, OMIM 185070.
Myopathy, tubular aggregate, 1 (TAM1). Identifiers: MedGen C4011726, MONDO:0024531, OMIM 160565.
Myopathy with tubular aggregates (TAM). Also called: Tubular Aggregate Myopathy. Identifiers: Orphanet 2593, MedGen C0410207, MONDO:0008051.

Submission:

Labcorp Genetics (formerly Invitae), Labcorp
Classification: Pathogenic for Myopathy with tubular aggregates; Combined immunodeficiency due to STIM1 deficiency; Stormorken syndrome. Last evaluated: 2018-12-25. Review status: criteria provided, single submitter. Criteria: Invitae Variant Classification Sherloc (09022015). Collection method: clinical testing. Allele origin: germline.
Comment: This sequence change creates a premature translational stop signal (p.Asn234Leufs*19) in the STIM1 gene. It is expected to result in an absent or disrupted protein product. This variant is not present in population databases (ExAC no frequency). This variant has not been reported in the literature in individuals with STIM1-related conditions. Loss-of-function variants in STIM1 are known to be pathogenic (PMID: 19420366, 20876309). For these reasons, this variant has been classified as Pathogenic.

Literature cited by the submitters: PubMed 19420366 (cited by Labcorp Genetics (formerly Invitae), Labcorp); PubMed 20876309 (cited by Labcorp Genetics (formerly Invitae), Labcorp).

NM_001382567.1(STIM1):c.700_707del (p.Asn234fs)

Gene: STIM1 (stromal interaction molecule 1; plus strand). Cytogenetic location: 11p15.4.
Variant type: Deletion.
Coding change: c.700_707del on transcript NM_001382567.1 (MANE Select); coding-DNA positions 700 to 707, 8 bases deleted (AACCGTTA; older notation c.700_707delAACCGTTA).
Protein change: p.Asn234fs; shifts the reading frame from asparagine 234.
Molecular consequence: frameshift variant. On other transcripts: non-coding transcript variant (2).
Genome position (GRCh38, 1-based): chr11:4,070,112-4,070,119, AACCGTTA deleted. VCF-style (leftmost placement, unchanged base first): chr11-4070111-GAACCGTTA-G. GRCh37 (hg19) VCF-style: chr11-4091341-GAACCGTTA-G.
Other names: c.700_707del, p.Asn234fs (NM_001277961.3, NM_001277962.2, NM_001382568.1 and 2 more transcripts); c.478_485del, p.Asn160fs (NM_001382566.1, NM_001382579.1, NM_001382573.1 and 5 more transcripts); c.211_218del, p.Asn71fs (NM_001382580.1, NM_001382581.1); c.565_572del, p.Asn189fs (NM_001382569.1); c.472_479del, p.Asn158fs (NM_001382570.1); c.220_227del, p.Asn74fs (NM_001382571.1); short protein forms N234fs, N158fs, N160fs, N189fs, N71fs, N74fs.
Identifiers: ClinVar variation 643831 (VCV000643831.10), dbSNP rs1590688717, ClinGen allele CA915948726.
Genomic context (GRCh38, chr11:4,070,111, plus strand): 5'-CTTCATGCTGGTGGTGTCTATCGTTATTGGTGTGGGCGGCTGCTGGTTTGCCTATATCCA[GAACCGTTA>G]CTCCAAGGAGCACATGAAGAAGATGATGAAGGACTTGGAGGGGTTACACCGAGCTGAGCA-3'